The following is an entry in ClinVar:

NM_201384.3(PLEC):c.4365C>T (p.Arg1455=)

Gene: PLEC (plectin; minus strand). Cytogenetic location: 8q24.3.
Variant type: single nucleotide variant.
Coding change: c.4365C>T on transcript NM_201384.3 (MANE Select); coding-DNA position 4365, C replaced by T.
Protein change: p.Arg1455=; no amino-acid change (arginine 1455 retained).
Molecular consequence: synonymous variant.
Genome position (GRCh38, 1-based): chr8:143,925,564, G>A on the plus strand (C>T on the coding strand, the complement: PLEC is on the minus strand). VCF-style: chr8-143925564-G-A. GRCh37 (hg19) VCF-style: chr8-144999732-G-A.
Other names: c.4446C>T, p.Arg1482= (NM_000445.5); c.4323C>T, p.Arg1441= (NM_201378.4); c.4299C>T, p.Arg1433= (NM_201379.3); c.4776C>T, p.Arg1592= (NM_201380.4); c.4269C>T, p.Arg1423= (NM_201381.3); c.4365C>T, p.Arg1455= (NM_201382.4); c.4377C>T, p.Arg1459= (NM_201383.3); c.4446C>T (NM_000445.4).
Identifiers: ClinVar variation 1086382 (VCV001086382.8), dbSNP rs782592113, ClinGen allele CA4926685.

ClinVar aggregate classification (germline): Likely benign. Review status: criteria provided, multiple submitters, no conflicts (2 of 4 stars). 2 submissions from 2 submitters: Likely benign (2). Last evaluated 2026-09-13.

Conditions:
PLEC-related disorder. Also called: PLEC-related disorders; PLEC-related condition.
Epidermolysis bullosa simplex 5C, with pyloric atresia (EBS5C). Also called: PLEC-Related Epidermolysis Bullosa with Pyloric Atresia; Epidermolysis bullosa simplex with pyloric atresia; PLEC1-Related Epidermolysis Bullosa with Pyloric Atresia. Identifiers: Orphanet 158684, MedGen C2677349, MONDO:0012807, OMIM 612138.
Epidermolysis bullosa simplex with nail dystrophy (EBS5D). Identifiers: MedGen C4225309, MONDO:0014661, OMIM 616487.
Autosomal recessive limb-girdle muscular dystrophy type 2Q (LGMDR17). Also called: MUSCULAR DYSTROPHY, LIMB-GIRDLE, AUTOSOMAL RECESSIVE 17. Identifiers: Orphanet 254361, MedGen C3150989, MONDO:0013390, OMIM 613723.
Epidermolysis bullosa simplex 5B, with muscular dystrophy (EBS5B). Also called: EPIDERMOLYSIS BULLOSA SIMPLEX AND LIMB-GIRDLE MUSCULAR DYSTROPHY; Epidermolysis bullosa simplex with muscular dystrophy. Identifiers: Orphanet 257, MedGen C2931072, MONDO:0009181, OMIM 226670.
Epidermolysis bullosa simplex, Ogna type (EBS5A). Also called: Pidermolysis bullosa simplex 5A, Ogna type; EPIDERMOLYSIS BULLOSA SIMPLEX 5A, OGNA TYPE. Identifiers: Orphanet 79401, MedGen C0432317, MONDO:0007555, OMIM 131950.

Allele frequency attached by ClinVar (database versions not stated): ExAC 0.00001; gnomAD 0.00001; gnomAD exomes 0.00002 and 0.00004; TOPMed 0.00002.
gnomAD v4.1: 58 of 1,588,116 alleles (0.0037%); highest among the groups gnomAD compares: Non-Finnish European, 0.0039%; no homozygotes.

Submissions (2):

PreventionGenetics, part of Exact Sciences
Classification: Likely benign for PLEC-related condition. Last evaluated: 2026-09-13. Review status: criteria provided, single submitter. Criteria: ACMG Guidelines, 2015. Collection method: clinical testing. Allele origin: germline.
Comment: This variant is classified as likely benign based on ACMG/AMP sequence variant interpretation guidelines (Richards et al. 2015 PMID: 25741868, with internal and published modifications).

Labcorp Genetics (formerly Invitae), Labcorp
Classification: Likely benign for Autosomal recessive limb-girdle muscular dystrophy type 2Q; Epidermolysis bullosa simplex, Ogna type; Epidermolysis bullosa simplex with nail dystrophy; Epidermolysis bullosa simplex 5C, with pyloric atresia; Epidermolysis bullosa simplex 5B, with muscular dystrophy. Last evaluated: 2025-01-06. Review status: criteria provided, single submitter. Criteria: Invitae Variant Classification Sherloc (09022015). Collection method: clinical testing. Allele origin: germline.